The following is an entry in ClinVar:

NM_003079.5(SMARCE1):c.111C>A (p.Asn37Lys)

Gene: SMARCE1 (SWI/SNF related BAF chromatin remodeling complex subunit E1; minus strand). Cytogenetic location: 17q21.2.
Variant type: single nucleotide variant.
Coding change: c.111C>A on transcript NM_003079.5 (MANE Select); coding-DNA position 111, C replaced by A.
Protein change: p.Asn37Lys; replaces asparagine 37 with lysine.
Molecular consequence: missense variant.
Genome position (GRCh38, 1-based): chr17:40,642,500, G>T on the plus strand (C>A on the coding strand, the complement: SMARCE1 is on the minus strand). VCF-style: chr17-40642500-G-T. GRCh37 (hg19) VCF-style: chr17-38798752-G-T.
Other names: short protein forms N37K.
Identifiers: ClinVar variation 3773892 (VCV003773892.1).

ClinVar aggregate classification (germline): Uncertain significance (1 of 4 stars; one submission).

Submission:

GeneDx
Classification: Uncertain significance. Last evaluated: 2024-09-24. Review status: criteria provided, single submitter. Criteria: GeneDx Variant Classification Process June 2021. Collection method: clinical testing. Allele origin: germline. Affected: yes.
Comment: Not observed at significant frequency in large population cohorts (gnomAD); In silico analysis indicates that this missense variant does not alter protein structure/function; Has not been previously published as pathogenic or benign to our knowledge; This variant is associated with the following publications: (PMID: 19245665)